The following is an entry in ClinVar:

ClinVar aggregate classification (germline): Likely benign (1 of 4 stars; one submission).

Allele frequency attached by ClinVar (database versions not stated): gnomAD 0.00074; 1000 Genomes Project 0.00079.

Submission:

CeGaT Center for Human Genetics Tuebingen
Classification: Likely benign. Last evaluated: 2024-01-01. Review status: criteria provided, single submitter. Criteria: CeGaT Center For Human Genetics Tuebingen Variant Classification Criteria Version 2. Collection method: clinical testing. Allele origin: germline. Affected: yes. Observed: 1 variant allele.
Comment: VCX3A: BP4, BP7, BS2

NM_016379.4(VCX3A):c.474C>T (p.Ser158=)

Genes: VCX3A (variable charge X-linked 3A; minus strand), LOC106029240 (S232-VCX3A recombination region; plus strand). Cytogenetic location: Xp22.31.
Variant type: single nucleotide variant.
Coding change: c.474C>T on transcript NM_016379.4 (MANE Select); coding-DNA position 474, C replaced by T.
Protein change: p.Ser158=; no amino-acid change (serine 158 retained).
Molecular consequence: synonymous variant.
Genome position (GRCh38, 1-based): chrX:6,533,832, G>A on the plus strand (C>T on the coding strand, the complement: VCX3A is on the minus strand). VCF-style: chrX-6533832-G-A. GRCh37 (hg19) VCF-style: chrX-6451873-G-A.
Identifiers: ClinVar variation 3025092 (VCV003025092.22), dbSNP rs147419762, ClinGen allele CA10341531.